The following is an entry in ClinVar:

ClinVar aggregate classification (germline): Likely benign (1 of 4 stars; one submission).

Allele frequency attached by ClinVar (database versions not stated): ExAC 0.00175; 1000 Genomes Project 0.00499; 1000 Genomes Project 30x 0.00500; ESP Exome Variant Server 0.00638.
gnomAD v4.1: 1,575 of 1,611,868 alleles (0.098%); highest among the groups gnomAD compares: African/African-American, 1.9%; 19 homozygotes.

Submission:

GeneDx
Classification: Likely benign. Last evaluated: 2019-03-24. Review status: criteria provided, single submitter. Criteria: GeneDx Variant Classification Process June 2021. Collection method: clinical testing. Allele origin: germline. Affected: yes.
Comment: See Variant Classification Assertion Criteria.

NM_003504.5(CDC45):c.704+33G>T

Gene: CDC45 (cell division cycle 45; plus strand). Cytogenetic location: 22q11.21.
Variant type: single nucleotide variant.
Coding change: c.704+33G>T on transcript NM_003504.5 (MANE Select); 33 bases into the intron after coding-DNA position 704, G replaced by T.
Molecular consequence: intron variant.
Genome position (GRCh38, 1-based): chr22:19,499,184, G>T. VCF-style: chr22-19499184-G-T. GRCh37 (hg19) VCF-style: chr22-19486707-G-T.
Other names: c.668+33G>T (NM_001369291.1); c.800+33G>T (NM_001178010.2); c.566+33G>T (NM_001178011.2).
Identifiers: ClinVar variation 1706699 (VCV001706699.2), dbSNP rs13447231, ClinGen allele CA10101196.
Genomic context (GRCh38, chr22:19,499,184, plus strand): 5'-ACCAGTGGGTGCAAGACAAGATCACTCAGTAAGGACACACTCCCTTGCCTTGCAGGGTCA[G>T]CCCTGTGCTGTGGCCAGGTGCACAGCCTGACCATAGCCACTAAGTTTTTAGCAGGGTCCC-3'